The following is an entry in ClinVar:

NM_000095.3(COMP):c.259C>A (p.Pro87Thr)

Gene: COMP (cartilage oligomeric matrix protein; minus strand). Cytogenetic location: 19p13.11.
Variant type: single nucleotide variant.
Coding change: c.259C>A on transcript NM_000095.3 (MANE Select); coding-DNA position 259, C replaced by A.
Protein change: p.Pro87Thr; replaces proline 87 with threonine.
Molecular consequence: missense variant.
Genome position (GRCh38, 1-based): chr19:18,790,073, G>T on the plus strand (C>A on the coding strand, the complement: COMP is on the minus strand). VCF-style: chr19-18790073-G-T. GRCh37 (hg19) VCF-style: chr19-18900882-G-T.
Other names: short protein forms P87T.
Identifiers: ClinVar variation 3701100 (VCV003701100.2).

ClinVar aggregate classification (germline): Uncertain significance (1 of 4 stars; one submission).

Submission:

Labcorp Genetics (formerly Invitae), Labcorp
Classification: Uncertain significance. Last evaluated: 2024-12-24. Review status: criteria provided, single submitter. Criteria: Invitae Variant Classification Sherloc (09022015). Collection method: clinical testing. Allele origin: germline.
Comment: This sequence change replaces proline, which is neutral and non-polar, with threonine, which is neutral and polar, at codon 87 of the COMP protein (p.Pro87Thr). This variant is present in population databases (no rsID available, gnomAD 0.06%). This variant has not been reported in the literature in individuals affected with COMP-related conditions. Invitae Evidence Modeling of protein sequence and biophysical properties (such as structural, functional, and spatial information, amino acid conservation, physicochemical variation, residue mobility, and thermodynamic stability) has been performed for this missense variant. However, the output from this modeling did not meet the statistical confidence thresholds required to predict the impact of this variant on COMP protein function. In summary, the available evidence is currently insufficient to determine the role of this variant in disease. Therefore, it has been classified as a Variant of Uncertain Significance.